The following is an entry in ClinVar:

NM_000179.3(MSH6):c.2938_2947del (p.Glu980fs)

Gene: MSH6 (mutS homolog 6; plus strand). Cytogenetic location: 2p16.3.
Variant type: Deletion.
Coding change: c.2938_2947del on transcript NM_000179.3 (MANE Select); coding-DNA positions 2938 to 2947, 10 bases deleted (GAAATTCCTG; older notation c.2938_2947delGAAATTCCTG).
Protein change: p.Glu980fs; shifts the reading frame from glutamic acid 980.
Molecular consequence: frameshift variant. On other transcripts: non-coding transcript variant (5), intron variant (2).
Genome position (GRCh38, 1-based): chr2:47,800,921-47,800,930, GAAATTCCTG deleted; deleting any 10 consecutive bases within chr2:47,800,918-47,800,930 gives the same sequence; the c. name uses the placement nearest the transcript's 3' end. VCF-style (leftmost placement, unchanged base first): chr2-47800917-GCTGGAAATTC-G. GRCh37 (hg19) VCF-style: chr2-48028056-GCTGGAAATTC-G.
Other names: c.2938_2947del10 (NM_000179.2); c.2548_2557del, p.Glu850fs (NM_001281492.2); c.2032_2041del, p.Glu678fs (NM_001281493.2, NM_001281494.2, NM_001406811.1 and 6 more transcripts); c.3034_3043del, p.Glu1012fs (NM_001406795.1, NM_001406802.1); c.2938_2947del, p.Glu980fs (NM_001406796.1, NM_001406798.1, NM_001406800.1 and 2 more transcripts); c.2641_2650del, p.Glu881fs (NM_001406797.1, NM_001406801.1, NM_001406805.1 and 10 more transcripts); c.2413_2422del, p.Glu805fs (NM_001406799.1, NM_001406806.1, NM_001406807.1); c.2860_2869del, p.Glu954fs (NM_001406804.1); and 5 more; short protein forms E805fs, E881fs, E295fs, E924fs, E1012fs, E850fs, E982fs, E678fs.
Identifiers: ClinVar variation 3913745 (VCV003913745.2).
Genomic context (GRCh38, chr2:47,800,917, plus strand): 5'-GCGCAACAGAATTGGCTGTAGGACCATAGTCTATTGGGGGATTGGTAGGAACCGTTACCA[GCTGGAAATTC>G]CTGAGAATTTCACCACTCGCAATTTGCCAGAAGAATACGAGTTGAAATCTACCAAGAAGG-3'

ClinVar aggregate classification (germline): Pathogenic. Review status: criteria provided, multiple submitters, no conflicts (2 of 4 stars). 2 submissions from 2 submitters: Pathogenic (2). Last evaluated 2025-10-21.

Conditions:
Hereditary nonpolyposis colorectal neoplasms. Identifiers: MedGen C0009405, MeSH D003123.
Hereditary cancer-predisposing syndrome. Also called: Hereditary Cancer Syndrome; Hereditary neoplastic syndrome; Neoplastic Syndromes, Hereditary; Tumor predisposition. Identifiers: Orphanet 140162, MedGen C0027672, MeSH D009386, MONDO:0015356.

Submissions (2):

Labcorp Genetics (formerly Invitae), Labcorp
Classification: Pathogenic for Hereditary nonpolyposis colorectal neoplasms. Last evaluated: 2025-10-21. Review status: criteria provided, single submitter. Criteria: Invitae Variant Classification Sherloc (09022015). Collection method: clinical testing. Allele origin: germline.
Comment: This sequence change creates a premature translational stop signal (p.Glu980Argfs*14) in the MSH6 gene. It is expected to result in an absent or disrupted protein product. Loss-of-function variants in MSH6 are known to be pathogenic (PMID: 18269114, 24362816). This variant is not present in population databases (gnomAD no frequency). This variant has not been reported in the literature in individuals affected with MSH6-related conditions. ClinVar contains an entry for this variant (Variation ID: 3913745). For these reasons, this variant has been classified as Pathogenic.

Ambry Genetics
Classification: Pathogenic for Hereditary cancer-predisposing syndrome. Last evaluated: 2025-06-06. Review status: criteria provided, single submitter. Criteria: Ambry Variant Classification Scheme 2023. Collection method: clinical testing. Allele origin: germline.
Comment: The c.2938_2947del10 pathogenic mutation, located in coding exon 4 of the MSH6 gene, results from a deletion of 10 nucleotides at nucleotide positions 2938 to 2947, causing a translational frameshift with a predicted alternate stop codon (p.E980Rfs*14). This variant is considered to be rare based on population cohorts in the Genome Aggregation Database (gnomAD). This alteration is expected to result in loss of function by premature protein truncation or nonsense-mediated mRNA decay. As such, this alteration is interpreted as a disease-causing mutation.

Literature cited by the submitters: PubMed 18269114 (cited by Labcorp Genetics (formerly Invitae), Labcorp); PubMed 24362816 (cited by Labcorp Genetics (formerly Invitae), Labcorp).